The following is an entry in ClinVar:

NM_033310.3(KCNK4):c.421C>T (p.Arg141Trp)

Genes: KCNK4 (potassium two pore domain channel subfamily K member 4; plus strand), KCNK4-CATSPERZ (KCNK4-CATSPERZ readthrough (NMD candidate); plus strand). Cytogenetic location: 11q13.1.
Variant type: single nucleotide variant.
Coding change: c.421C>T on transcript NM_033310.3 (MANE Select); coding-DNA position 421, C replaced by T.
Protein change: p.Arg141Trp; replaces arginine 141 with tryptophan.
Molecular consequence: missense variant. On other transcripts: non-coding transcript variant (3).
Genome position (GRCh38, 1-based): chr11:64,297,226, C>T. VCF-style: chr11-64297226-C-T. GRCh37 (hg19) VCF-style: chr11-64064698-C-T.
Other names: c.421C>T (NM_033310.2); c.421C>T, p.Arg141Trp (NM_001317090.2, NM_033311.1); short protein forms R141W.
Identifiers: ClinVar variation 1931101 (VCV001931101.6), dbSNP rs571383808, ClinGen allele CA6073047.

ClinVar aggregate classification (germline): Uncertain significance. Review status: criteria provided, multiple submitters, no conflicts (2 of 4 stars). 2 submissions from 2 submitters: Uncertain significance (2). Last evaluated 2024-11-24.

Allele frequency attached by ClinVar (database versions not stated): ExAC 0.00002; 1000 Genomes Project 30x 0.00016; 1000 Genomes Project 0.00020.

Submissions (2):

Ambry Genetics
Classification: Uncertain significance. Last evaluated: 2024-11-24. Review status: criteria provided, single submitter. Criteria: Ambry Variant Classification Scheme 2023. Collection method: clinical testing. Allele origin: germline.

Labcorp Genetics (formerly Invitae), Labcorp
Classification: Uncertain significance. Last evaluated: 2022-01-11. Review status: criteria provided, single submitter. Criteria: Invitae Variant Classification Sherloc (09022015). Collection method: clinical testing. Allele origin: germline.
Comment: Algorithms developed to predict the effect of missense changes on protein structure and function are either unavailable or do not agree on the potential impact of this missense change (SIFT: "Not Available"; PolyPhen-2: "Probably Damaging"; Align-GVGD: "Not Available"). This variant has not been reported in the literature in individuals affected with KCNK4-related conditions. This variant is present in population databases (rs571383808, gnomAD 0.003%). This sequence change replaces arginine, which is basic and polar, with tryptophan, which is neutral and slightly polar, at codon 141 of the KCNK4 protein (p.Arg141Trp). In summary, the available evidence is currently insufficient to determine the role of this variant in disease. Therefore, it has been classified as a Variant of Uncertain Significance.